The following is an entry in ClinVar:

NM_015331.3(NCSTN):c.1102G>C (p.Val368Leu)

Gene: NCSTN (nicastrin; plus strand). Cytogenetic location: 1q23.2.
Variant type: single nucleotide variant.
Coding change: c.1102G>C on transcript NM_015331.3 (MANE Select); coding-DNA position 1102, G replaced by C.
Protein change: p.Val368Leu; replaces valine 368 with leucine.
Molecular consequence: missense variant.
Genome position (GRCh38, 1-based): chr1:160,353,160, G>C. VCF-style: chr1-160353160-G-C. GRCh37 (hg19) VCF-style: chr1-160322950-G-C.
Other names: c.1042G>C, p.Val348Leu (NM_001290184.2); c.688G>C, p.Val230Leu (NM_001290186.2); c.1102G>C, p.Val368Leu (NM_001349729.2); short protein forms V368L, V348L, V230L.
Identifiers: ClinVar variation 2263447 (VCV002263447.4), dbSNP rs920971774, ClinGen allele CA31539309.

ClinVar aggregate classification (germline): Uncertain significance. Review status: criteria provided, multiple submitters, no conflicts (2 of 4 stars). 2 submissions from 2 submitters: Uncertain significance (2). Last evaluated 2024-06-25.

Conditions:
Inborn genetic diseases. Identifiers: MedGen C0950123, MeSH D030342.

Allele frequency attached by ClinVar (database versions not stated): TOPMed 0.00001.

Submissions (2):

Labcorp Genetics (formerly Invitae), Labcorp
Classification: Uncertain significance. Last evaluated: 2024-06-25. Review status: criteria provided, single submitter. Criteria: Invitae Variant Classification Sherloc (09022015). Collection method: clinical testing. Allele origin: germline.
Comment: This sequence change replaces valine, which is neutral and non-polar, with leucine, which is neutral and non-polar, at codon 368 of the NCSTN protein (p.Val368Leu). This variant is not present in population databases (gnomAD no frequency). This variant has not been reported in the literature in individuals affected with NCSTN-related conditions. ClinVar contains an entry for this variant (Variation ID: 2263447). An algorithm developed to predict the effect of missense changes on protein structure and function (PolyPhen-2) suggests that this variant is likely to be disruptive. Algorithms developed to predict the effect of sequence changes on RNA splicing suggest that this variant may create or strengthen a splice site. In summary, the available evidence is currently insufficient to determine the role of this variant in disease. Therefore, it has been classified as a Variant of Uncertain Significance.

Ambry Genetics
Classification: Uncertain significance for Inborn genetic diseases. Last evaluated: 2024-01-19. Review status: criteria provided, single submitter. Criteria: Ambry Variant Classification Scheme 2023. Collection method: clinical testing. Allele origin: germline.